The following is an entry in ClinVar:

NM_199355.4(ADAMTS18):c.3042_3044delinsGTT (p.Glu1015Leu)

Gene: ADAMTS18 (ADAM metallopeptidase with thrombospondin type 1 motif 18; minus strand). Cytogenetic location: 16q23.1.
Variant type: Indel.
Coding change: c.3042_3044delinsGTT on transcript NM_199355.4 (MANE Select); coding-DNA positions 3042 to 3044, TGA replaced by GTT.
Protein change: p.Glu1015Leu; replaces glutamic acid 1015 with leucine.
Molecular consequence: missense variant.
Genome position (GRCh38, 1-based): chr16:77,293,221-77,293,223, TCA replaced by AAC on the plus strand (TGA replaced by GTT on the coding strand, the reverse complement: ADAMTS18 is on the minus strand). VCF-style: chr16-77293221-TCA-AAC. GRCh37 (hg19) VCF-style: chr16-77327118-TCA-AAC.
Other names: c.2526_2528delinsGTT, p.Glu843Leu (NM_001326358.2); short protein forms E843L, E1015L.
Identifiers: ClinVar variation 1378979 (VCV001378979.3), dbSNP rs2144571577, ClinGen allele CA2573152668.
Genomic context (GRCh38, chr16:77,293,221, plus strand): 5'-GGGAGACTGGTACACTGGCTCTCGGGGAGGGTTTCTGCGGCAGAGCCCTTGCAGAGGAGT[TCA>AAC]CGCTTCCTCACCCCTCGTCCACAGGTCTTGGAACACTTGAGAAGACAAAAAAGTTCTATT-3'
Protein context (NP_955387.1, residues 1005-1025): KTCGRGVRKR[Glu1015Leu]LLCKGSAAET

ClinVar aggregate classification (germline): Uncertain significance (1 of 4 stars; one submission).

Submission:

Labcorp Genetics (formerly Invitae), Labcorp
Classification: Uncertain significance. Last evaluated: 2021-01-14. Review status: criteria provided, single submitter. Criteria: Invitae Variant Classification Sherloc (09022015). Collection method: clinical testing. Allele origin: germline.
Comment: This sequence change replaces glutamic acid with leucine at codon 1015 of the ADAMTS18 protein (p.Glu1015Leu). The glutamic acid residue is moderately conserved and there is a moderate physicochemical difference between glutamic acid and leucine. The frequency data for this variant in the population databases is not available, as this variant may be reported as separate entries in the ExAC database. This variant has not been reported in the literature in individuals with ADAMTS18-related conditions. Experimental studies and prediction algorithms are not available or were not evaluated, and the functional significance of this variant is currently unknown. In summary, the available evidence is currently insufficient to determine the role of this variant in disease. Therefore, it has been classified as a Variant of Uncertain Significance.